The following is an entry in ClinVar:

ClinVar aggregate classification (germline): Pathogenic (1 of 4 stars; one submission).

Conditions:
Cornelia de Lange syndrome 1 (CDLS1). Also called: TYPUS DEGENERATIVUS AMSTELODAMENSIS; Brachmann de Lange syndrome; NIPBL-Related Cornelia de Lange Syndrome. Identifiers: Orphanet 199, MedGen C4551851, MONDO:0007387, OMIM 122470.

Submission:

Labcorp Genetics (formerly Invitae), Labcorp
Classification: Pathogenic for Cornelia de Lange syndrome 1. Last evaluated: 2024-01-03. Review status: criteria provided, single submitter. Criteria: Invitae Variant Classification Sherloc (09022015). Collection method: clinical testing. Allele origin: germline.
Comment: This sequence change creates a premature translational stop signal (p.Tyr178Serfs*38) in the NIPBL gene. It is expected to result in an absent or disrupted protein product. Loss-of-function variants in NIPBL are known to be pathogenic (PMID: 15318302, 19763162, 23505322, 29995837). This variant is not present in population databases (gnomAD no frequency). This variant has not been reported in the literature in individuals affected with NIPBL-related conditions. For these reasons, this variant has been classified as Pathogenic.

Literature cited by the submitters: PubMed 15318302; PubMed 19763162; PubMed 23505322; PubMed 29995837.

NM_133433.4(NIPBL):c.533del (p.Tyr178fs)

Gene: NIPBL (NIPBL cohesin loading factor; plus strand). Cytogenetic location: 5p13.2.
Variant type: Deletion.
Coding change: c.533del on transcript NM_133433.4 (MANE Select); coding-DNA position 533, one base deleted (A; older notation c.533delA).
Protein change: p.Tyr178fs; shifts the reading frame from tyrosine 178.
Molecular consequence: frameshift variant.
Genome position (GRCh38, 1-based): chr5:36,962,197, A deleted. VCF-style (leftmost placement, unchanged base first): chr5-36962196-TA-T. GRCh37 (hg19) VCF-style: chr5-36962298-TA-T.
Other names: c.533del, p.Tyr178fs (NM_015384.5); short protein forms Y178fs.
Identifiers: ClinVar variation 2707225 (VCV002707225.3), dbSNP rs2479033418, ClinGen allele CA2697547119.